The following is an entry in ClinVar:

ClinVar aggregate classification (germline): Uncertain significance (1 of 4 stars; one submission).

Submission:

Labcorp Genetics (formerly Invitae), Labcorp
Classification: Uncertain significance. Last evaluated: 2024-11-12. Review status: criteria provided, single submitter. Criteria: Invitae Variant Classification Sherloc (09022015). Collection method: clinical testing. Allele origin: germline.
Comment: This sequence change replaces arginine, which is basic and polar, with serine, which is neutral and polar, at codon 541 of the ALPK3 protein (p.Arg541Ser). This variant is not present in population databases (gnomAD no frequency). This variant has not been reported in the literature in individuals affected with ALPK3-related conditions. ClinVar contains an entry for this variant (Variation ID: 2786185). An algorithm developed to predict the effect of missense changes on protein structure and function (PolyPhen-2) suggests that this variant is likely to be tolerated. In summary, the available evidence is currently insufficient to determine the role of this variant in disease. Therefore, it has been classified as a Variant of Uncertain Significance.

NM_020778.5(ALPK3):c.1015C>A (p.Arg339Ser)

Gene: ALPK3 (alpha kinase 3; plus strand). Cytogenetic location: 15q25.3.
Variant type: single nucleotide variant.
Coding change: c.1015C>A on transcript NM_020778.5 (MANE Select); coding-DNA position 1015, C replaced by A.
Protein change: p.Arg339Ser; replaces arginine 339 with serine.
Molecular consequence: missense variant.
Genome position (GRCh38, 1-based): chr15:84,840,294, C>A. VCF-style: chr15-84840294-C-A. GRCh37 (hg19) VCF-style: chr15-85383525-C-A.
Other names: short protein forms R339S.
Identifiers: ClinVar variation 2786185 (VCV002786185.3), dbSNP rs141449225, ClinGen allele CA393374113.